The following is an entry in ClinVar:

NM_001369.3(DNAH5):c.8580del (p.Lys2860fs)

Gene: DNAH5 (dynein axonemal heavy chain 5; minus strand). Cytogenetic location: 5p15.2.
Variant type: Deletion.
Coding change: c.8580del on transcript NM_001369.3 (MANE Select); coding-DNA position 8580, one base deleted (A; older notation c.8580delA).
Protein change: p.Lys2860fs; shifts the reading frame from lysine 2860.
Molecular consequence: frameshift variant.
Genome position (GRCh38, 1-based): chr5:13,788,783, T deleted on the plus strand (A on the coding strand, the reverse complement: DNAH5 is on the minus strand); the first of 6 consecutive T bases (chr5:13,788,783-13,788,788); deleting any one gives the same sequence. VCF-style (leftmost placement, unchanged base first): chr5-13788782-GT-G. GRCh37 (hg19) VCF-style: chr5-13788891-GT-G.
Other names: short protein forms K2860fs.
Identifiers: ClinVar variation 3632577 (VCV003632577.2).
Genomic context (GRCh38, chr5:13,788,782, plus strand): 5'-CTTCAGGTGCATCTCTCAAGAAATCCACAAAATATGTGTCAATTCCACAATCCACCAAGA[GT>G]TTTTTCTCTTCACCAAACTCCTCCTCTACCAAACTTACTAAAGCCTTATCAAACCAGGTC-3'

ClinVar aggregate classification (germline): Pathogenic (1 of 4 stars; one submission).

Conditions:
Primary ciliary dyskinesia. Also called: Ciliary dyskinesia. Identifiers: Orphanet 244, MedGen C0008780, MONDO:0016575, HP:0012265.

Submission:

Labcorp Genetics (formerly Invitae), Labcorp
Classification: Pathogenic for Primary ciliary dyskinesia. Last evaluated: 2024-03-01. Review status: criteria provided, single submitter. Criteria: Invitae Variant Classification Sherloc (09022015). Collection method: clinical testing. Allele origin: germline.
Comment: This sequence change creates a premature translational stop signal (p.Lys2860Asnfs*16) in the DNAH5 gene. It is expected to result in an absent or disrupted protein product. Loss-of-function variants in DNAH5 are known to be pathogenic (PMID: 11788826, 16627867). This variant is not present in population databases (gnomAD no frequency). This variant has not been reported in the literature in individuals affected with DNAH5-related conditions. Algorithms developed to predict the effect of sequence changes on RNA splicing suggest that this variant may disrupt the consensus splice site. For these reasons, this variant has been classified as Pathogenic.

Literature cited by the submitters: PubMed 11788826; PubMed 16627867.